The following is an entry in ClinVar:

ClinVar aggregate classification (germline): Uncertain significance (1 of 4 stars; one submission).

Submission:

Labcorp Genetics (formerly Invitae), Labcorp
Classification: Uncertain significance. Last evaluated: 2024-12-04. Review status: criteria provided, single submitter. Criteria: Invitae Variant Classification Sherloc (09022015). Collection method: clinical testing. Allele origin: germline.
Comment: This sequence change replaces leucine, which is neutral and non-polar, with phenylalanine, which is neutral and non-polar, at codon 83 of the SLC9A3R1 protein (p.Leu83Phe). This variant is not present in population databases (gnomAD no frequency). This variant has not been reported in the literature in individuals affected with SLC9A3R1-related conditions. An algorithm developed to predict the effect of missense changes on protein structure and function (PolyPhen-2) suggests that this variant is likely to be disruptive. In summary, the available evidence is currently insufficient to determine the role of this variant in disease. Therefore, it has been classified as a Variant of Uncertain Significance.

NM_004252.5(NHERF1):c.247C>T (p.Leu83Phe)

Genes: NHERF1 (NHERF family PDZ scaffold protein 1; plus strand), SLC9A3R1-AS1 (SLC9A3R1 antisense RNA 1; minus strand). Cytogenetic location: 17q25.1.
Variant type: single nucleotide variant.
Coding change: c.247C>T on transcript NM_004252.5 (MANE Select); coding-DNA position 247, C replaced by T.
Protein change: p.Leu83Phe; replaces leucine 83 with phenylalanine.
Molecular consequence: missense variant. On other transcripts: non-coding transcript variant (1).
Genome position (GRCh38, 1-based): chr17:74,749,093, C>T. VCF-style: chr17-74749093-C-T. GRCh37 (hg19) VCF-style: chr17-72745232-C-T.
Other names: short protein forms L83F.
Identifiers: ClinVar variation 3680522 (VCV003680522.2).